The following is an entry in ClinVar:

NM_001458.5(FLNC):c.1425C>T (p.Asn475=)

Gene: FLNC (filamin C; plus strand). Cytogenetic location: 7q32.1.
Variant type: single nucleotide variant.
Coding change: c.1425C>T on transcript NM_001458.5 (MANE Select); coding-DNA position 1425, C replaced by T.
Protein change: p.Asn475=; no amino-acid change (asparagine 475 retained).
Molecular consequence: synonymous variant.
Genome position (GRCh38, 1-based): chr7:128,840,036, C>T. VCF-style: chr7-128840036-C-T. GRCh37 (hg19) VCF-style: chr7-128480090-C-T.
Other names: p.Asn475=; c.1425C>T, p.Asn475= (NM_001127487.2).
Identifiers: ClinVar variation 291068 (VCV000291068.59), dbSNP rs143610360, ClinGen allele CA4474342.

ClinVar aggregate classification (germline): Benign/Likely benign. Review status: criteria provided, multiple submitters, no conflicts (2 of 4 stars). 18 submissions from 18 submitters: Benign (11); Likely benign (2). 5 of the submissions do not count toward it. Last evaluated 2026-01-31.

Conditions:
Hypertrophic cardiomyopathy 26. Also called: Cardiomyopathy, familial hypertrophic, 26. Identifiers: Orphanet 75249, MedGen C4310749, MONDO:0014883, OMIM 617047.
Distal myopathy with posterior leg and anterior hand involvement. Also called: WILLIAMS DISTAL MYOPATHY. Identifiers: Orphanet 63273, MedGen C3279722, MONDO:0013550, OMIM 614065.
Myofibrillar myopathy 5. Also called: Filaminopathy (type); FILAMINOPATHY, AUTOSOMAL DOMINANT. Identifiers: Orphanet 171445, MedGen C1836050, MONDO:0012289, OMIM 609524.
FLNC-related disorder. Also called: FLNC-related condition; FLNC-related disorders.
Cardiovascular phenotype. Identifiers: MedGen CN230736.
Cardiomyopathy (CMYO). Also called: Cardiomyopathies. Identifiers: Orphanet 167848, MedGen C0878544, MONDO:0004994, HP:0001638. Inheritance: Various modes of inheritance.

Allele frequency attached by ClinVar (database versions not stated): gnomAD exomes 0.00031 and 0.00069; ExAC 0.00085; 1000 Genomes Project 30x 0.00219; 1000 Genomes Project 0.00240; gnomAD 0.00277 and 0.00297; ESP Exome Variant Server 0.00306; TOPMed 0.00306.
gnomAD v4.1: 908 of 1,613,730 alleles (0.056%); highest among the groups gnomAD compares: African/African-American, 0.96%; 6 homozygotes.

Submissions (18):

Labcorp Genetics (formerly Invitae), Labcorp
Classification: Benign for Distal myopathy with posterior leg and anterior hand involvement; Myofibrillar myopathy 5; Hypertrophic cardiomyopathy 26. Last evaluated: 2026-01-31. Review status: criteria provided, single submitter. Criteria: Invitae Variant Classification Sherloc (09022015). Collection method: clinical testing. Allele origin: germline.

Mayo Clinic Laboratories, Mayo Clinic
Classification: Benign. Last evaluated: 2025-06-12. Review status: criteria provided, single submitter. Criteria: ACMG Guidelines, 2015. Collection method: clinical testing. Allele origin: germline. Observed: 3 variant alleles.
Comment: BS1, BS2, BP4, BP7

Molecular Diagnostic Laboratory for Inherited Cardiovascular Disease, Montreal Heart Institute
Classification: Benign. Last evaluated: 2025-04-09. Review status: criteria provided, single submitter. Criteria: ACMG Guidelines, 2015. Collection method: clinical testing. Allele origin: germline. Affected: no.

ARUP Laboratories, Molecular Genetics and Genomics, ARUP Laboratories
Classification: Benign. Last evaluated: 2024-11-20. Review status: criteria provided, single submitter. Criteria: ARUP Molecular Germline Variant Investigation Process 2024. Collection method: clinical testing. Allele origin: germline.

CeGaT Center for Human Genetics Tuebingen
Classification: Likely benign. Last evaluated: 2024-11-01. Review status: criteria provided, single submitter. Criteria: CeGaT Center For Human Genetics Tuebingen Variant Classification Criteria Version 2. Collection method: clinical testing. Allele origin: germline. Affected: yes. Observed: 3 variant alleles.
Comment: FLNC: BP4, BP7

Blueprint Genetics
Classification: Likely benign. Last evaluated: 2024-09-04. Review status: criteria provided, single submitter. Criteria: ACMG Guidelines, 2015. Collection method: clinical testing. Allele origin: germline.

Women's Health and Genetics/Laboratory Corporation of America, LabCorp
Classification: Benign. Last evaluated: 2023-12-03. Review status: criteria provided, single submitter. Criteria: LabCorp Variant Classification Summary - May 2015. Collection method: clinical testing. Allele origin: germline.

CHEO Genetics Diagnostic Laboratory, Children's Hospital of Eastern Ontario
Classification: Benign for Cardiomyopathy. Last evaluated: 2023-06-07. Review status: criteria provided, single submitter. Criteria: ACMG Guidelines, 2015. Collection method: clinical testing. Allele origin: germline.

Ambry Genetics
Classification: Benign for Cardiovascular phenotype. Last evaluated: 2019-03-05. Review status: criteria provided, single submitter. Criteria: Ambry Variant Classification Scheme 2023. Collection method: clinical testing. Allele origin: germline.

Athena Diagnostics
Classification: Benign. Last evaluated: 2018-08-09. Review status: criteria provided, single submitter. Criteria: Athena Diagnostics Criteria. Collection method: clinical testing. Allele origin: germline.

GeneDx
Classification: Benign. Last evaluated: 2016-11-02. Review status: criteria provided, single submitter. Criteria: GeneDx Variant Classification (06012015). Collection method: clinical testing. Allele origin: germline. Affected: yes.
Comment: This variant is considered likely benign or benign based on one or more of the following criteria: it is a conservative change, it occurs at a poorly conserved position in the protein, it is predicted to be benign by multiple in silico algorithms, and/or has population frequency not consistent with disease.

Eurofins Ntd Llc (ga)
Classification: Benign. Last evaluated: 2016-09-20. Review status: criteria provided, single submitter. Criteria: EGL Classification Definitions 2015. Collection method: clinical testing. Allele origin: germline. Observed: 1 variant allele, 1 heterozygote.

Breakthrough Genomics
Classification: Benign. Review status: criteria provided, single submitter. Criteria: ACMG Guidelines, 2015. Collection method: not provided. Allele origin: germline. Inheritance: Autosomal dominant inheritance. Affected: yes.

PreventionGenetics, part of Exact Sciences
Classification: Benign for FLNC-related condition. Last evaluated: 2019-07-19. Review status: no assertion criteria provided. Collection method: clinical testing. Allele origin: germline. Not counted in ClinVar's aggregate classification.
Comment: This variant is classified as benign based on ACMG/AMP sequence variant interpretation guidelines (Richards et al. 2015 PMID: 25741868, with internal and published modifications).

Clinical Genetics DNA and cytogenetics Diagnostics Lab, Erasmus MC, Erasmus Medical Center
Classification: Likely benign. Review status: no assertion criteria provided. Collection method: clinical testing. Allele origin: germline. Affected: yes. Study: VKGL Data-share Consensus. Not counted in ClinVar's aggregate classification.

Clinical Genetics, Academic Medical Center
Classification: Benign. Review status: no assertion criteria provided. Collection method: clinical testing. Allele origin: germline. Affected: yes. Study: VKGL Data-share Consensus. Not counted in ClinVar's aggregate classification.

Genome Diagnostics Laboratory, University Medical Center Utrecht
Classification: Likely benign. Review status: no assertion criteria provided. Collection method: clinical testing. Allele origin: germline. Affected: yes. Study: VKGL Data-share Consensus. Not counted in ClinVar's aggregate classification.

Joint Genome Diagnostic Labs from Nijmegen and Maastricht, Radboudumc and MUMC+
Classification: Benign. Review status: no assertion criteria provided. Collection method: clinical testing. Allele origin: germline. Affected: yes. Study: VKGL Data-share Consensus. Not counted in ClinVar's aggregate classification.